The following is an entry in ClinVar:

ClinVar aggregate classification (germline): Uncertain significance (1 of 4 stars; one submission).

gnomAD v4.1: 13 of 1,612,916 alleles (0.00081%); highest among the groups gnomAD compares: Non-Finnish European, 0.0011%; no homozygotes.

Submission:

Labcorp Genetics (formerly Invitae), Labcorp
Classification: Uncertain significance. Last evaluated: 2025-05-27. Review status: criteria provided, single submitter. Criteria: Invitae Variant Classification Sherloc (09022015). Collection method: clinical testing. Allele origin: germline.
Comment: This sequence change replaces glycine, which is neutral and non-polar, with glutamic acid, which is acidic and polar, at codon 5 of the NCSTN protein (p.Gly5Glu). This variant is present in population databases (rs528352370, gnomAD 0.0009%). This variant has not been reported in the literature in individuals affected with NCSTN-related conditions. ClinVar contains an entry for this variant (Variation ID: 1395248). An algorithm developed to predict the effect of missense changes on protein structure and function (PolyPhen-2) suggests that this variant is likely to be tolerated. In summary, the available evidence is currently insufficient to determine the role of this variant in disease. Therefore, it has been classified as a Variant of Uncertain Significance.

NM_015331.3(NCSTN):c.14G>A (p.Gly5Glu)

Gene: NCSTN (nicastrin; plus strand). Cytogenetic location: 1q23.2.
Variant type: single nucleotide variant.
Coding change: c.14G>A on transcript NM_015331.3 (MANE Select); coding-DNA position 14, G replaced by A.
Protein change: p.Gly5Glu; replaces glycine 5 with glutamic acid.
Molecular consequence: missense variant. On other transcripts: 5 prime UTR variant (1).
Genome position (GRCh38, 1-based): chr1:160,343,410, G>A. VCF-style: chr1-160343410-G-A. GRCh37 (hg19) VCF-style: chr1-160313200-G-A.
Other names: c.-186G>A (NM_001290184.2); c.14G>A, p.Gly5Glu (NM_001290186.2, NM_001349729.2); short protein forms G5E.
Identifiers: ClinVar variation 1395248 (VCV001395248.8), dbSNP rs528352370, ClinGen allele CA1198538.